The following is an entry in ClinVar:

NM_024665.7(TBL1XR1):c.669A>G (p.Pro223=)

Gene: TBL1XR1 (TBL1X/Y related 1; minus strand). Cytogenetic location: 3q26.32.
Variant type: single nucleotide variant.
Coding change: c.669A>G on transcript NM_024665.7 (MANE Select); coding-DNA position 669, A replaced by G.
Protein change: p.Pro223=; no amino-acid change (proline 223 retained).
Molecular consequence: synonymous variant.
Genome position (GRCh38, 1-based): chr3:177,050,030, T>C on the plus strand (A>G on the coding strand, the complement: TBL1XR1 is on the minus strand). VCF-style: chr3-177050030-T-C. GRCh37 (hg19) VCF-style: chr3-176767818-T-C.
Other names: p.Pro223=; c.669A>G (NM_024665.6); c.669A>G, p.Pro223= (NM_001374329.1, NM_001321193.3, NM_001321194.3 and 2 more transcripts); c.408A>G, p.Pro136= (NM_001374330.1, NM_001321195.3).
Identifiers: ClinVar variation 468538 (VCV000468538.61), dbSNP rs61750378, ClinGen allele CA2709927.
Genomic context (GRCh38, chr3:177,050,030, plus strand): 5'-ATCCATCATGGATATAGTGATACTCACATTCCAATCTAGAGATGTGACATCCTTGTTGCT[T>C]GGAACATCTTGCCCTCCTTCTCGTATACAATGTCTAAGTACTAACTGTGTAGAGCCACTG-3'
Protein context (NP_078941.2, residues 213-233): HCIREGGQDV[Pro223=]SNKDVTSLDW

ClinVar aggregate classification (germline): Benign/Likely benign. Review status: criteria provided, multiple submitters, no conflicts (2 of 4 stars). 12 submissions from 12 submitters: Benign (7); Likely benign (4). 1 of the submissions does not count toward it. Last evaluated 2026-08-01.

Conditions:
TBL1XR1-related disorder. Also called: TBL1XR1-related condition; TBL1XR1-related disorders. Identifiers: MedGen CN382633, MONDO:1060313.
Inborn genetic diseases. Identifiers: MedGen C0950123, MeSH D030342.
Pierpont syndrome (PRPTS). Identifiers: Orphanet 487825, MedGen C1865644, MONDO:0011213, OMIM 602342.
Intellectual developmental disorder, autosomal dominant 41. Also called: Intellectual disability, autosomal dominant 41. Identifiers: Orphanet 2823, MedGen C4310784, MONDO:0014842, OMIM 616944.

Allele frequency attached by ClinVar (database versions not stated): 1000 Genomes Project 0.00300; 1000 Genomes Project 30x 0.00312; TOPMed 0.00479; gnomAD exomes 0.00503 and 0.00665; gnomAD 0.00631; ESP Exome Variant Server 0.00521.
gnomAD v4.1: 10,388 of 1,613,678 alleles (0.64%); highest among the groups gnomAD compares: Non-Finnish European, 0.78%; 39 homozygotes.

Submissions (12):

CeGaT Center for Human Genetics Tuebingen
Classification: Benign. Last evaluated: 2026-08-01. Review status: criteria provided, single submitter. Criteria: CeGaT Center For Human Genetics Tuebingen Variant Classification Criteria Version 2. Collection method: clinical testing. Allele origin: germline. Affected: yes. Observed: 88 variant alleles.
Comment: TBL1XR1: BP4, BP7, BS1, BS2

Labcorp Genetics (formerly Invitae), Labcorp
Classification: Benign for Pierpont syndrome. Last evaluated: 2026-02-03. Review status: criteria provided, single submitter. Criteria: Invitae Variant Classification Sherloc (09022015). Collection method: clinical testing. Allele origin: germline.

ARUP Laboratories, Molecular Genetics and Genomics, ARUP Laboratories
Classification: Benign. Last evaluated: 2025-05-01. Review status: criteria provided, single submitter. Criteria: ARUP Molecular Germline Variant Investigation Process 2024. Collection method: clinical testing. Allele origin: germline.

Blueprint Genetics
Classification: Likely benign. Last evaluated: 2024-11-26. Review status: criteria provided, single submitter. Criteria: ACMG Guidelines, 2015. Collection method: clinical testing. Allele origin: germline.

Mayo Clinic Laboratories, Mayo Clinic
Classification: Benign. Last evaluated: 2023-02-24. Review status: criteria provided, single submitter. Criteria: ACMG Guidelines, 2015. Collection method: clinical testing. Allele origin: germline. Observed: 4 variant alleles.
Comment: BS1, BS2, BP4, BP7

Fulgent Genetics
Classification: Likely benign for Pierpont syndrome; Intellectual developmental disorder, autosomal dominant 41. Last evaluated: 2022-05-10. Review status: criteria provided, single submitter. Criteria: ACMG Guidelines, 2015. Collection method: clinical testing. Allele origin: unknown.

Genetic Services Laboratory, University of Chicago
Classification: Benign. Last evaluated: 2019-09-19. Review status: criteria provided, single submitter. Criteria: ACMG Guidelines, 2015. Collection method: clinical testing. Allele origin: germline. Affected: no.

GeneDx
Classification: Benign. Last evaluated: 2018-11-14. Review status: criteria provided, single submitter. Criteria: GeneDx Variant Classification Process June 2021. Collection method: clinical testing. Allele origin: germline. Affected: yes.

Athena Diagnostics
Classification: Benign. Last evaluated: 2017-09-27. Review status: criteria provided, single submitter. Criteria: Athena Diagnostics Criteria. Collection method: clinical testing. Allele origin: germline.

Ambry Genetics
Classification: Likely benign for Inborn genetic diseases. Last evaluated: 2016-09-27. Review status: criteria provided, single submitter. Criteria: Ambry Variant Classification Scheme 2023. Collection method: clinical testing. Allele origin: germline.

Breakthrough Genomics
Classification: Likely benign. Review status: criteria provided, single submitter. Criteria: ACMG Guidelines, 2015. Collection method: not provided. Allele origin: germline. Inheritance: Autosomal dominant inheritance. Affected: yes.

PreventionGenetics, part of Exact Sciences
Classification: Benign for TBL1XR1-related condition. Last evaluated: 2024-02-27. Review status: no assertion criteria provided. Collection method: clinical testing. Allele origin: germline. Not counted in ClinVar's aggregate classification.
Comment: This variant is classified as benign based on ACMG/AMP sequence variant interpretation guidelines (Richards et al. 2015 PMID: 25741868, with internal and published modifications).